The following is an entry in ClinVar:

ClinVar aggregate classification (germline): Uncertain significance (1 of 4 stars; one submission).

Submission:

GeneDx
Classification: Uncertain significance. Last evaluated: 2025-04-16. Review status: criteria provided, single submitter. Criteria: GeneDx Variant Classification Process June 2021. Collection method: clinical testing. Allele origin: germline.
Comment: Not observed at significant frequency in large population cohorts (gnomAD); In silico analysis indicates that this missense variant does not alter protein structure/function; Has not been previously published as pathogenic or benign to our knowledge

NM_004973.4(JARID2):c.2270A>C (p.Lys757Thr)

Gene: JARID2 (jumonji and AT-rich interaction domain containing 2; plus strand). Cytogenetic location: 6p22.3.
Variant type: single nucleotide variant.
Coding change: c.2270A>C on transcript NM_004973.4 (MANE Select); coding-DNA position 2270, A replaced by C.
Protein change: p.Lys757Thr; replaces lysine 757 with threonine.
Molecular consequence: missense variant.
Genome position (GRCh38, 1-based): chr6:15,501,231, A>C. VCF-style: chr6-15501231-A-C. GRCh37 (hg19) VCF-style: chr6-15501462-A-C.
Other names: c.1754A>C, p.Lys585Thr (NM_001267040.1); short protein forms K585T, K757T.
Identifiers: ClinVar variation 2412905 (VCV002412905.4), dbSNP rs2533133718, ClinGen allele CA362798955.